The following is an entry in ClinVar:

NM_002055.5(GFAP):c.1157A>G (p.Asn386Ser)

Gene: GFAP (glial fibrillary acidic protein; minus strand). Cytogenetic location: 17q21.31.
Variant type: single nucleotide variant.
Coding change: c.1157A>G on transcript NM_002055.5 (MANE Select); coding-DNA position 1157, A replaced by G.
Protein change: p.Asn386Ser; replaces asparagine 386 with serine.
Molecular consequence: missense variant.
Genome position (GRCh38, 1-based): chr17:44,910,629, T>C on the plus strand (A>G on the coding strand, the complement: GFAP is on the minus strand). VCF-style: chr17-44910629-T-C. GRCh37 (hg19) VCF-style: chr17-42987997-T-C.
Other names: c.1157A>G, p.Asn386Ser (NM_001131019.3, NM_001242376.3, NM_001363846.2); short protein forms N386S.
Identifiers: ClinVar variation 2138057 (VCV002138057.5), dbSNP rs61726471, ClinGen allele CA399842231.

ClinVar aggregate classification (germline): Pathogenic. Review status: criteria provided, multiple submitters, no conflicts (2 of 4 stars). 2 submissions from 2 submitters: Pathogenic (2). Last evaluated 2025-05-05.

Conditions:
GFAP-related disorder. Also called: GFAP-related condition; GFAP-related disorders.

Allele frequency attached by ClinVar (database versions not stated): TOPMed below 0.00001; gnomAD 0.00001.
gnomAD v4.1: 1 of 1,583,416 alleles (0.000063%); highest among the groups gnomAD compares: Non-Finnish European, 0.000086%; no homozygotes.

Submissions (2):

Labcorp Genetics (formerly Invitae), Labcorp
Classification: Pathogenic. Last evaluated: 2025-05-05. Review status: criteria provided, single submitter. Criteria: Invitae Variant Classification Sherloc (09022015). Collection method: clinical testing. Allele origin: germline.
Comment: This sequence change replaces asparagine, which is neutral and polar, with serine, which is neutral and polar, at codon 386 of the GFAP protein (p.Asn386Ser). This variant is present in population databases (no rsID available, gnomAD 0.007%). This missense change has been observed in individuals with clinical features of Alexander disease (PMID: 25982497, 27814755, 28448978, 34046764). ClinVar contains an entry for this variant (Variation ID: 2138057). Invitae Evidence Modeling of protein sequence and biophysical properties (such as structural, functional, and spatial information, amino acid conservation, physicochemical variation, residue mobility, and thermodynamic stability) indicates that this missense variant is not expected to disrupt GFAP protein function with a negative predictive value of 95%. This variant disrupts the p.Asn386 amino acid residue in GFAP. Other variant(s) that disrupt this residue have been determined to be pathogenic (PMID: 16996408, 21756903). This suggests that this residue is clinically significant, and that variants that disrupt this residue are likely to be disease-causing. For these reasons, this variant has been classified as Pathogenic.

Blueprint Genetics
Classification: Pathogenic for GFAP-related disorders. Last evaluated: 2022-02-07. Review status: criteria provided, single submitter. Criteria: ACMG Guidelines, 2015. Collection method: clinical testing. Allele origin: germline. Affected: yes. Observed: 2 variant alleles.

Literature cited by the submitters: PubMed 25982497 (cited by Labcorp Genetics (formerly Invitae), Labcorp); PubMed 27814755 (cited by Labcorp Genetics (formerly Invitae), Labcorp); PubMed 28448978 (cited by Labcorp Genetics (formerly Invitae), Labcorp); PubMed 34046764 (cited by Labcorp Genetics (formerly Invitae), Labcorp); PubMed 16996408 (cited by Labcorp Genetics (formerly Invitae), Labcorp); PubMed 21756903 (cited by Labcorp Genetics (formerly Invitae), Labcorp).